The following is an entry in ClinVar:

NM_000057.4(BLM):c.2389G>A (p.Ala797Thr)

Gene: BLM (BLM RecQ like helicase; plus strand). Cytogenetic location: 15q26.1.
Variant type: single nucleotide variant.
Coding change: c.2389G>A on transcript NM_000057.4 (MANE Select); coding-DNA position 2389, G replaced by A.
Protein change: p.Ala797Thr; replaces alanine 797 with threonine.
Molecular consequence: missense variant.
Genome position (GRCh38, 1-based): chr15:90,769,214, G>A. VCF-style: chr15-90769214-G-A. GRCh37 (hg19) VCF-style: chr15-91312444-G-A.
Other names: c.2389G>A, p.Ala797Thr (NM_001287246.2, NM_001287247.2); c.1264G>A, p.Ala422Thr (NM_001287248.2); short protein forms A422T, A797T.
Identifiers: ClinVar variation 2189296 (VCV002189296.6), dbSNP rs1459262395, ClinGen allele CA393845194.
Genomic context (GRCh38, chr15:90,769,214, plus strand): 5'-ATTTCTACTCTGGAGAATCTCTATGAGAGGAAGCTCTTGGCACGTTTTGTTATTGATGAA[G>A]CACATTGTGTCAGTCAGGTAAATACTGTTTTTTATATCCGGAAATACCGATAAATACATA-3'
Protein context (NP_000048.1, residues 787-807): KLLARFVIDE[Ala797Thr]HCVSQWGHDF

ClinVar aggregate classification (germline): Uncertain significance. Review status: criteria provided, multiple submitters, no conflicts (2 of 4 stars). 2 submissions from 2 submitters: Uncertain significance (2). Last evaluated 2025-04-16.

Conditions:
Hereditary cancer-predisposing syndrome. Also called: Hereditary Cancer Syndrome; Tumor predisposition; Hereditary neoplastic syndrome; Neoplastic Syndromes, Hereditary. Identifiers: Orphanet 140162, MedGen C0027672, MeSH D009386, MONDO:0015356.
Bloom syndrome (BLM). Also called: Bloom-Torre-Machacek syndrome. Identifiers: Orphanet 125, MedGen C0005859, MONDO:0008876, OMIM 210900.

gnomAD v4.1: 6 of 1,611,694 alleles (0.00037%); highest among the groups gnomAD compares: Non-Finnish European, 0.00051%; no homozygotes.

Submissions (2):

Ambry Genetics
Classification: Uncertain significance for Hereditary cancer-predisposing syndrome. Last evaluated: 2025-04-16. Review status: criteria provided, single submitter. Criteria: Ambry Variant Classification Scheme 2023. Collection method: clinical testing. Allele origin: germline.
Comment: The p.A797T variant (also known as c.2389G>A), located in coding exon 10 of the BLM gene, results from a G to A substitution at nucleotide position 2389. The alanine at codon 797 is replaced by threonine, an amino acid with similar properties. This amino acid position is highly conserved in available vertebrate species. In addition, this alteration is predicted to be deleterious by in silico analysis. Since supporting evidence is limited at this time, the clinical significance of this alteration remains unclear.

Labcorp Genetics (formerly Invitae), Labcorp
Classification: Uncertain significance for Bloom syndrome. Last evaluated: 2024-12-26. Review status: criteria provided, single submitter. Criteria: Invitae Variant Classification Sherloc (09022015). Collection method: clinical testing. Allele origin: germline.
Comment: This sequence change replaces alanine, which is neutral and non-polar, with threonine, which is neutral and polar, at codon 797 of the BLM protein (p.Ala797Thr). This variant is not present in population databases (gnomAD no frequency). This missense change has been observed in individual(s) with colon cancer (PMID: 33193653). ClinVar contains an entry for this variant (Variation ID: 2189296). Invitae Evidence Modeling of protein sequence and biophysical properties (such as structural, functional, and spatial information, amino acid conservation, physicochemical variation, residue mobility, and thermodynamic stability) indicates that this missense variant is expected to disrupt BLM protein function with a positive predictive value of 80%. In summary, the available evidence is currently insufficient to determine the role of this variant in disease. Therefore, it has been classified as a Variant of Uncertain Significance.

Literature cited by the submitters: PubMed 33193653 (cited by Labcorp Genetics (formerly Invitae), Labcorp).